The following is an entry in ClinVar:

NM_021961.6(TEAD1):c.632T>C (p.Ile211Thr)

Gene: TEAD1 (TEA domain transcription factor 1; plus strand). Cytogenetic location: 11p15.3.
Variant type: single nucleotide variant.
Coding change: c.632T>C on transcript NM_021961.6 (MANE Select); coding-DNA position 632, T replaced by C.
Protein change: p.Ile211Thr; replaces isoleucine 211 with threonine.
Molecular consequence: missense variant.
Genome position (GRCh38, 1-based): chr11:12,883,058, T>C. VCF-style: chr11-12883058-T-C. GRCh37 (hg19) VCF-style: chr11-12904605-T-C.
Other names: short protein forms I211T.
Identifiers: ClinVar variation 1365831 (VCV001365831.6), dbSNP rs771210727, ClinGen allele CA5891695.

ClinVar aggregate classification (germline): Uncertain significance (1 of 4 stars; one submission).

Allele frequency attached by ClinVar (database versions not stated): gnomAD exomes below 0.00001 and 0.00002; ExAC 0.00002; TOPMed 0.00002; gnomAD 0.00003 and 0.00004.
gnomAD v4.1: 8 of 1,614,050 alleles (0.0005%); highest among the groups gnomAD compares: African/African-American, 0.0067%; no homozygotes.

Submission:

Labcorp Genetics (formerly Invitae), Labcorp
Classification: Uncertain significance. Last evaluated: 2022-03-10. Review status: criteria provided, single submitter. Criteria: Invitae Variant Classification Sherloc (09022015). Collection method: clinical testing. Allele origin: germline.
Comment: In summary, the available evidence is currently insufficient to determine the role of this variant in disease. Therefore, it has been classified as a Variant of Uncertain Significance. Algorithms developed to predict the effect of missense changes on protein structure and function (SIFT, PolyPhen-2, Align-GVGD) all suggest that this variant is likely to be disruptive. This variant has not been reported in the literature in individuals affected with TEAD1-related conditions. This variant is present in population databases (rs771210727, gnomAD 0.03%). This sequence change replaces isoleucine, which is neutral and non-polar, with threonine, which is neutral and polar, at codon 211 of the TEAD1 protein (p.Ile211Thr).